The following is an entry in ClinVar:

ClinVar aggregate classification (germline): Uncertain significance. Review status: criteria provided, multiple submitters, no conflicts (2 of 4 stars). 2 submissions from 2 submitters: Uncertain significance (2). Last evaluated 2025-01-06.

Allele frequency attached by ClinVar (database versions not stated): gnomAD 0.00001; TOPMed 0.00002.
gnomAD v4.1: 19 of 1,613,798 alleles (0.0012%); highest among the groups gnomAD compares: Admixed American, 0.015%; no homozygotes.

Submissions (2):

Labcorp Genetics (formerly Invitae), Labcorp
Classification: Uncertain significance. Last evaluated: 2025-01-06. Review status: criteria provided, single submitter. Criteria: Invitae Variant Classification Sherloc (09022015). Collection method: clinical testing. Allele origin: germline.
Comment: This sequence change replaces alanine, which is neutral and non-polar, with glycine, which is neutral and non-polar, at codon 120 of the USH2A protein (p.Ala120Gly). This variant is present in population databases (rs779542709, gnomAD 0.02%). This variant has not been reported in the literature in individuals affected with USH2A-related conditions. ClinVar contains an entry for this variant (Variation ID: 2149713). Invitae Evidence Modeling of protein sequence and biophysical properties (such as structural, functional, and spatial information, amino acid conservation, physicochemical variation, residue mobility, and thermodynamic stability) indicates that this missense variant is not expected to disrupt USH2A protein function with a negative predictive value of 95%. In summary, the available evidence is currently insufficient to determine the role of this variant in disease. Therefore, it has been classified as a Variant of Uncertain Significance.

Blueprint Genetics
Classification: Uncertain significance. Last evaluated: 2023-10-02. Review status: criteria provided, single submitter. Criteria: ACMG Guidelines, 2015. Collection method: clinical testing. Allele origin: germline.

NM_206933.4(USH2A):c.359C>G (p.Ala120Gly)

Gene: USH2A (usherin; minus strand). Cytogenetic location: 1q41.
Variant type: single nucleotide variant.
Coding change: c.359C>G on transcript NM_206933.4 (MANE Select); coding-DNA position 359, C replaced by G.
Protein change: p.Ala120Gly; replaces alanine 120 with glycine.
Molecular consequence: missense variant.
Genome position (GRCh38, 1-based): chr1:216,421,978, G>C on the plus strand (C>G on the coding strand, the complement: USH2A is on the minus strand). VCF-style: chr1-216421978-G-C. GRCh37 (hg19) VCF-style: chr1-216595320-G-C.
Other names: c.359C>G, p.Ala120Gly (NM_007123.6); short protein forms A120G.
Identifiers: ClinVar variation 2149713 (VCV002149713.3), dbSNP rs779542709, ClinGen allele CA1396809.